The following is an entry in ClinVar:

NM_000543.5(SMPD1):c.1587G>A (p.Pro529=)

Gene: SMPD1 (sphingomyelin phosphodiesterase 1; plus strand). Cytogenetic location: 11p15.4.
Variant type: single nucleotide variant.
Coding change: c.1587G>A on transcript NM_000543.5 (MANE Select); coding-DNA position 1587, G replaced by A.
Protein change: p.Pro529=; no amino-acid change (proline 529 retained).
Molecular consequence: synonymous variant. On other transcripts: 3 prime UTR variant (1), non-coding transcript variant (2).
Genome position (GRCh38, 1-based): chr11:6,394,298, G>A. VCF-style: chr11-6394298-G-A. GRCh37 (hg19) VCF-style: chr11-6415528-G-A.
Other names: c.1584G>A, p.Pro528= (NM_001007593.3); c.*80G>A (NM_001318087.2); c.666G>A, p.Pro222= (NM_001318088.2); c.1455G>A, p.Pro485= (NM_001365135.2); c.1587G>A (NM_000543.4).
Identifiers: ClinVar variation 597455 (VCV000597455.16), dbSNP rs140770832, ClinGen allele CA5852941.

ClinVar aggregate classification (germline): Conflicting classifications of pathogenicity. Review status: criteria provided, conflicting classifications (1 of 4 stars). 4 submissions from 4 submitters: Uncertain significance (1); Likely benign (2). 1 of the submissions does not count toward it. Last evaluated 2026-02-02.

Conditions:
Niemann-Pick disease, type B. Also called: Chronic Visceral ASMD (Niemann-Pick Disease Type B; NPD-B). Identifiers: Orphanet 77293, MedGen C0268243, MONDO:0011871, OMIM 607616. Disease mechanism: loss of function.
Niemann-Pick disease, type A. Also called: Infantile Neurovisceral ASMD (Niemann-Pick Disease Type A; NPD-A); SPHINGOMYELIN LIPIDOSIS; SPHINGOMYELINASE DEFICIENCY. Identifiers: Orphanet 77292, MedGen C0268242, MONDO:0009756, OMIM 257200. Disease mechanism: loss of function.
SMPD1-related disorder. Also called: SMPD1-related condition.

Allele frequency attached by ClinVar (database versions not stated): gnomAD 0.00003 and 0.00004; gnomAD exomes 0.00003 and 0.00008; TOPMed 0.00005; ExAC 0.00009; ESP Exome Variant Server 0.00023.
gnomAD v4.1: 46 of 1,614,048 alleles (0.0028%); highest among the groups gnomAD compares: Admixed American, 0.022%; no homozygotes.

Submissions (4):

Labcorp Genetics (formerly Invitae), Labcorp
Classification: Likely benign for Niemann-Pick disease, type B; Niemann-Pick disease, type A. Last evaluated: 2026-02-02. Review status: criteria provided, single submitter. Criteria: Invitae Variant Classification Sherloc (09022015). Collection method: clinical testing. Allele origin: germline.

Blueprint Genetics
Classification: Likely benign. Last evaluated: 2024-06-14. Review status: criteria provided, single submitter. Criteria: ACMG Guidelines, 2015. Collection method: clinical testing. Allele origin: germline.

Eurofins Ntd Llc (ga)
Classification: Uncertain significance. Last evaluated: 2018-06-05. Review status: criteria provided, single submitter. Criteria: EGL ClinVar v180209 classification definitions. Collection method: clinical testing. Allele origin: germline. Observed: 1 variant allele, 1 heterozygote.

PreventionGenetics, part of Exact Sciences
Classification: Likely benign for SMPD1-related condition. Last evaluated: 2021-07-27. Review status: no assertion criteria provided. Collection method: clinical testing. Allele origin: germline. Not counted in ClinVar's aggregate classification.
Comment: This variant is classified as likely benign based on ACMG/AMP sequence variant interpretation guidelines (Richards et al. 2015 PMID: 25741868, with internal and published modifications).